The following is an entry in ClinVar:

NM_003801.4(GPAA1):c.665C>T (p.Ala222Val)

Gene: GPAA1 (glycosylphosphatidylinositol anchor attachment 1; plus strand). Cytogenetic location: 8q24.3.
Variant type: single nucleotide variant.
Coding change: c.665C>T on transcript NM_003801.4 (MANE Select); coding-DNA position 665, C replaced by T.
Protein change: p.Ala222Val; replaces alanine 222 with valine.
Molecular consequence: missense variant.
Genome position (GRCh38, 1-based): chr8:144,084,182, C>T. VCF-style: chr8-144084182-C-T. GRCh37 (hg19) VCF-style: chr8-145139085-C-T.
Other names: short protein forms A222V.
Identifiers: ClinVar variation 1995102 (VCV001995102.4), dbSNP rs1412169472, ClinGen allele CA372600177.

ClinVar aggregate classification (germline): Uncertain significance (1 of 4 stars; one submission).

Allele frequency attached by ClinVar (database versions not stated): TOPMed below 0.00001.

Submission:

Labcorp Genetics (formerly Invitae), Labcorp
Classification: Uncertain significance. Last evaluated: 2022-11-22. Review status: criteria provided, single submitter. Criteria: Invitae Variant Classification Sherloc (09022015). Collection method: clinical testing. Allele origin: germline.
Comment: In summary, the available evidence is currently insufficient to determine the role of this variant in disease. Therefore, it has been classified as a Variant of Uncertain Significance. Advanced modeling of protein sequence and biophysical properties (such as structural, functional, and spatial information, amino acid conservation, physicochemical variation, residue mobility, and thermodynamic stability) performed at Invitae indicates that this missense variant is not expected to disrupt GPAA1 protein function. This variant has not been reported in the literature in individuals affected with GPAA1-related conditions. This variant is not present in population databases (gnomAD no frequency). This sequence change replaces alanine, which is neutral and non-polar, with valine, which is neutral and non-polar, at codon 222 of the GPAA1 protein (p.Ala222Val).